The following is an entry in ClinVar:

NM_000722.4(CACNA2D1):c.2969T>A (p.Ile990Asn)

Gene: CACNA2D1 (calcium voltage-gated channel auxiliary subunit alpha2delta 1; minus strand). Cytogenetic location: 7q21.11.
Variant type: single nucleotide variant.
Coding change: c.2969T>A on transcript NM_000722.4 (MANE Select); coding-DNA position 2969, T replaced by A.
Protein change: p.Ile990Asn; replaces isoleucine 990 with asparagine.
Molecular consequence: missense variant.
Genome position (GRCh38, 1-based): chr7:81,959,827, A>T on the plus strand (T>A on the coding strand, the complement: CACNA2D1 is on the minus strand). VCF-style: chr7-81959827-A-T. GRCh37 (hg19) VCF-style: chr7-81589143-A-T.
Other names: c.3005T>A, p.Ile1002Asn (NM_001366867.1); short protein forms I1002N, I990N.
Identifiers: ClinVar variation 1488104 (VCV001488104.6), dbSNP rs2130187077, ClinGen allele CA367881507.

ClinVar aggregate classification (germline): Uncertain significance (1 of 4 stars; one submission).

Conditions:
Brugada syndrome. Also called: Sudden unexpected nocturnal death syndrome; Sudden Unexplained Death Syndrome; Sudden Unexplained Nocturnal Death Syndrome (SUNDS); Sudden unexplained nocturnal death syndrome. Identifiers: Orphanet 130, MedGen C1142166, MONDO:0015263.

Submission:

Labcorp Genetics (formerly Invitae), Labcorp
Classification: Uncertain significance for Brugada syndrome. Last evaluated: 2021-10-19. Review status: criteria provided, single submitter. Criteria: Invitae Variant Classification Sherloc (09022015). Collection method: clinical testing. Allele origin: germline.
Comment: In summary, the available evidence is currently insufficient to determine the role of this variant in disease. Therefore, it has been classified as a Variant of Uncertain Significance. Algorithms developed to predict the effect of missense changes on protein structure and function are either unavailable or do not agree on the potential impact of this missense change (SIFT: "Tolerated"; PolyPhen-2: "Possibly Damaging"; Align-GVGD: "Class C0"). This variant has not been reported in the literature in individuals affected with CACNA2D1-related conditions. This variant is not present in population databases (ExAC no frequency). This sequence change replaces isoleucine with asparagine at codon 990 of the CACNA2D1 protein (p.Ile990Asn). The isoleucine residue is moderately conserved and there is a large physicochemical difference between isoleucine and asparagine.